The following is an entry in ClinVar:

NM_021076.4(NEFH):c.284G>C (p.Arg95Pro)

Gene: NEFH (neurofilament heavy chain; plus strand). Cytogenetic location: 22q12.2.
Variant type: single nucleotide variant.
Coding change: c.284G>C on transcript NM_021076.4 (MANE Select); coding-DNA position 284, G replaced by C.
Protein change: p.Arg95Pro; replaces arginine 95 with proline.
Molecular consequence: missense variant.
Genome position (GRCh38, 1-based): chr22:29,480,546, G>C. VCF-style: chr22-29480546-G-C. GRCh37 (hg19) VCF-style: chr22-29876535-G-C.
Other names: short protein forms R95P.
Identifiers: ClinVar variation 1997840 (VCV001997840.4), dbSNP rs2062997879, ClinGen allele CA411122407.

ClinVar aggregate classification (germline): Uncertain significance (1 of 4 stars; one submission).

Allele frequency attached by ClinVar (database versions not stated): gnomAD 0.00001.

Submission:

Labcorp Genetics (formerly Invitae), Labcorp
Classification: Uncertain significance. Last evaluated: 2024-12-12. Review status: criteria provided, single submitter. Criteria: Invitae Variant Classification Sherloc (09022015). Collection method: clinical testing. Allele origin: germline.
Comment: This sequence change replaces arginine, which is basic and polar, with proline, which is neutral and non-polar, at codon 95 of the NEFH protein (p.Arg95Pro). This variant is not present in population databases (gnomAD no frequency). This variant has not been reported in the literature in individuals affected with NEFH-related conditions. ClinVar contains an entry for this variant (Variation ID: 1997840). Invitae Evidence Modeling of protein sequence and biophysical properties (such as structural, functional, and spatial information, amino acid conservation, physicochemical variation, residue mobility, and thermodynamic stability) indicates that this missense variant is not expected to disrupt NEFH protein function with a negative predictive value of 95%. In summary, the available evidence is currently insufficient to determine the role of this variant in disease. Therefore, it has been classified as a Variant of Uncertain Significance.